The following is an entry in ClinVar:

ClinVar aggregate classification (germline): Uncertain significance (1 of 4 stars; one submission).

Submission:

Ambry Genetics
Classification: Uncertain significance. Last evaluated: 2026-04-27. Review status: criteria provided, single submitter. Criteria: Ambry Variant Classification Scheme 2023. Collection method: clinical testing. Allele origin: germline.
Comment: The p.P193S variant (also known as c.577C>T), located in coding exon 6 of the RASA2 gene, results from a C to T substitution at nucleotide position 577. The proline at codon 193 is replaced by serine, an amino acid with similar properties. This amino acid position is conserved. In addition, this alteration is predicted to be tolerated by in silico analysis. Based on the available evidence, the clinical significance of this variant remains unclear.

NM_006506.5(RASA2):c.577C>T (p.Pro193Ser)

Gene: RASA2 (RAS p21 protein activator 2; plus strand). Cytogenetic location: 3q23.
Variant type: single nucleotide variant.
Coding change: c.577C>T on transcript NM_006506.5 (MANE Select); coding-DNA position 577, C replaced by T.
Protein change: p.Pro193Ser; replaces proline 193 with serine.
Molecular consequence: missense variant.
Genome position (GRCh38, 1-based): chr3:141,553,906, C>T. VCF-style: chr3-141553906-C-T. GRCh37 (hg19) VCF-style: chr3-141272748-C-T.
Other names: c.577C>T, p.Pro193Ser (NM_001303245.3, NM_001303246.3); short protein forms P193S.
Identifiers: ClinVar variation 4862990 (VCV004862990.1).
Genomic context (GRCh38, chr3:141,553,906, plus strand): 5'-TTCTACCTTAGCATCAAGGCATGCCATGGGTTGCCTCTCATAAATGGCCAAAGCTGTGAC[C>T]CTTATGCAACAGTTTCTCTAGTGGGCCCTTCTAGGTAATATTTATTGAATTATTATTAGG-3'
Protein context (NP_006497.2, residues 183-203): LPLINGQSCD[Pro193Ser]YATVSLVGPS